The following is an entry in ClinVar:

NM_015021.3(ZNF292):c.6079G>T (p.Ala2027Ser)

Gene: ZNF292 (zinc finger protein 292; plus strand). Cytogenetic location: 6q14.3.
Variant type: single nucleotide variant.
Coding change: c.6079G>T on transcript NM_015021.3 (MANE Select); coding-DNA position 6079, G replaced by T.
Protein change: p.Ala2027Ser; replaces alanine 2027 with serine.
Molecular consequence: missense variant.
Genome position (GRCh38, 1-based): chr6:87,259,708, G>T. VCF-style: chr6-87259708-G-T. GRCh37 (hg19) VCF-style: chr6-87969426-G-T.
Other names: c.5659G>T, p.Ala1887Ser (NM_001351444.2); short protein forms A1887S, A2027S.
Identifiers: ClinVar variation 3629774 (VCV003629774.1).

ClinVar aggregate classification (germline): Uncertain significance (1 of 4 stars; one submission).

gnomAD v4.1: 24 of 1,601,790 alleles (0.0015%); highest among the groups gnomAD compares: South Asian, 0.016%; no homozygotes.

Submission:

Women's Health and Genetics/Laboratory Corporation of America, LabCorp
Classification: Uncertain significance. Last evaluated: 2024-11-07. Review status: criteria provided, single submitter. Criteria: LabCorp Variant Classification Summary - May 2015. Collection method: clinical testing. Allele origin: germline.
Comment: Variant summary: ZNF292 c.6079G>T (p.Ala2027Ser) results in a conservative amino acid change in the encoded protein sequence. Five of five in-silico tools predict a benign effect of the variant on protein function. The variant allele was found at a frequency of 2.6e-05 in 227342 control chromosomes. The available data on variant occurrences in the general population are insufficient to allow any conclusion about variant significance. To our knowledge, no occurrence of c.6079G>T in individuals affected with Autosomal Dominant Intellectual Developmental Disorder 64 and no experimental evidence demonstrating its impact on protein function have been reported. No submitters have cited clinical-significance assessments for this variant to ClinVar. Based on the evidence outlined above, the variant was classified as uncertain significance.